The following is an entry in ClinVar:

NM_000136.3(FANCC):c.1622C>T (p.Pro541Leu)

Genes: AOPEP (aminopeptidase O (putative); plus strand), FANCC (FA complementation group C; minus strand). Cytogenetic location: 9q22.32.
Variant type: single nucleotide variant.
Coding change: c.1622C>T on transcript NM_000136.3 (MANE Select); coding-DNA position 1622, C replaced by T.
Protein change: p.Pro541Leu; replaces proline 541 with leucine.
Molecular consequence: missense variant.
Genome position (GRCh38, 1-based): chr9:95,101,762, G>A on the plus strand (C>T on the coding strand, the complement: FANCC is on the minus strand). VCF-style: chr9-95101762-G-A. GRCh37 (hg19) VCF-style: chr9-97864044-G-A.
Other names: c.1622C>T, p.Pro541Leu (NM_001243743.2); short protein forms P541L.
Identifiers: ClinVar variation 485551 (VCV000485551.20), dbSNP rs1554827120, ClinGen allele CA374104406.

ClinVar aggregate classification (germline): Conflicting classifications of pathogenicity. Review status: criteria provided, conflicting classifications (1 of 4 stars). 4 submissions from 4 submitters: Uncertain significance (2); Likely benign (1). 1 of the submissions does not count toward it. Last evaluated 2024-11-06.

Conditions:
Hereditary cancer-predisposing syndrome. Also called: Tumor predisposition; Hereditary Cancer Syndrome; Hereditary neoplastic syndrome; Neoplastic Syndromes, Hereditary. Identifiers: Orphanet 140162, MedGen C0027672, MeSH D009386, MONDO:0015356.
Fanconi anemia (FA). Also called: Fanconi's anemia. Identifiers: Orphanet 84, MedGen C0015625, MeSH D005199, MONDO:0019391.

Allele frequency attached by ClinVar (database versions not stated): gnomAD 0.00001; TOPMed 0.00001.

Submissions (4):

Labcorp Genetics (formerly Invitae), Labcorp
Classification: Uncertain significance for Fanconi anemia. Last evaluated: 2024-11-06. Review status: criteria provided, single submitter. Criteria: Invitae Variant Classification Sherloc (09022015). Collection method: clinical testing. Allele origin: germline.
Comment: This sequence change replaces proline, which is neutral and non-polar, with leucine, which is neutral and non-polar, at codon 541 of the FANCC protein (p.Pro541Leu). This variant is not present in population databases (gnomAD no frequency). This variant has not been reported in the literature in individuals affected with FANCC-related conditions. ClinVar contains an entry for this variant (Variation ID: 485551). Invitae Evidence Modeling of protein sequence and biophysical properties (such as structural, functional, and spatial information, amino acid conservation, physicochemical variation, residue mobility, and thermodynamic stability) indicates that this missense variant is not expected to disrupt FANCC protein function with a negative predictive value of 80%. In summary, the available evidence is currently insufficient to determine the role of this variant in disease. Therefore, it has been classified as a Variant of Uncertain Significance.

Ambry Genetics
Classification: Likely benign for Hereditary cancer-predisposing syndrome. Last evaluated: 2024-03-25. Review status: criteria provided, single submitter. Criteria: Ambry Variant Classification Scheme 2023. Collection method: clinical testing. Allele origin: germline.

GeneDx
Classification: Uncertain significance. Last evaluated: 2022-04-20. Review status: criteria provided, single submitter. Criteria: GeneDx Variant Classification Process June 2021. Collection method: clinical testing. Allele origin: germline. Affected: yes.
Comment: Not observed at significant frequency in large population cohorts (gnomAD); In silico analysis supports that this missense variant has a deleterious effect on protein structure/function; Has not been previously published as pathogenic or benign to our knowledge

Natera, Inc.
Classification: Uncertain significance for Fanconi anemia. Last evaluated: 2020-02-21. Review status: no assertion criteria provided. Collection method: clinical testing. Allele origin: germline. Not counted in ClinVar's aggregate classification.